The following is an entry in ClinVar:

ClinVar aggregate classification (germline): Conflicting classifications of pathogenicity. Review status: criteria provided, conflicting classifications (1 of 4 stars). 2 submissions from 2 submitters: Pathogenic (1); Uncertain significance (1). Last evaluated 2024-05-20.

Conditions:
Generalized epilepsy-paroxysmal dyskinesia syndrome (PNKD3). Also called: Generalized epilepsy and paroxysmal dyskinesia; Paroxysmal nonkinesigenic dyskinesia, 3, with or without generalized epilepsy. Identifiers: Orphanet 79137, MedGen C5574945, MONDO:0012276, OMIM 609446.

Submissions (2):

GeneDx
Classification: Pathogenic. Last evaluated: 2024-05-20. Review status: criteria provided, single submitter. Criteria: GeneDx Variant Classification Process June 2021. Collection method: clinical testing. Allele origin: germline. Affected: yes.
Comment: Published functional studies demonstrate a damaging effect (variant shown to reduce both mitochondrial and cellular viability compared to wildtype) (PMID: 32132200); Not observed at significant frequency in large population cohorts (gnomAD); In silico analysis supports that this missense variant has a deleterious effect on protein structure/function; This variant is associated with the following publications: (PMID: 35625877, 29421541, 35156297, 35095492, 35757096, 32132200, 36503451, 38042986, 34224328)

Baylor Genetics
Classification: Uncertain significance for Generalized epilepsy-paroxysmal dyskinesia syndrome. Last evaluated: 2017-09-01. Review status: criteria provided, single submitter. Criteria: ACMG Guidelines, 2015. Collection method: clinical testing. Allele origin: de novo. Inheritance: Autosomal dominant inheritance. Affected: yes.

Literature cited by the submitters: PubMed 25326635 (cited by Baylor Genetics).

NM_001161352.2(KCNMA1):c.1060G>A (p.Gly354Ser)

Gene: KCNMA1 (potassium calcium-activated channel subfamily M alpha 1; minus strand). Cytogenetic location: 10q22.3.
Variant type: single nucleotide variant.
Coding change: c.1060G>A on transcript NM_001161352.2 (MANE Select); coding-DNA position 1060, G replaced by A.
Protein change: p.Gly354Ser; replaces glycine 354 with serine.
Molecular consequence: missense variant.
Genome position (GRCh38, 1-based): chr10:77,110,244, C>T on the plus strand (G>A on the coding strand, the complement: KCNMA1 is on the minus strand). VCF-style: chr10-77110244-C-T. GRCh37 (hg19) VCF-style: chr10-78870002-C-T.
Other names: c.1060G>A, p.Gly354Ser (NM_001014797.3, NM_001161353.2, NM_001271519.2 and 7 more transcripts); c.898G>A, p.Gly300Ser (NM_001271518.2); c.520G>A, p.Gly174Ser (NM_001322838.2); short protein forms G354S, G174S, G300S.
Identifiers: ClinVar variation 561037 (VCV000561037.3), dbSNP rs1564596167, ClinGen allele CA377409144.